The following is an entry in ClinVar:

ClinVar aggregate classification (germline): Likely benign (0 of 4 stars; one submission).

Conditions:
TBC1D23-related disorder. Also called: TBC1D23-related condition.

Submission:

PreventionGenetics, part of Exact Sciences
Classification: Likely benign for TBC1D23-related condition. Last evaluated: 2019-07-09. Review status: no assertion criteria provided. Collection method: clinical testing. Allele origin: germline.
Comment: This variant is classified as likely benign based on ACMG/AMP sequence variant interpretation guidelines (Richards et al. 2015 PMID: 25741868, with internal and published modifications).

NM_001199198.3(TBC1D23):c.2019-10del

Gene: TBC1D23 (TBC1 domain family member 23; plus strand). Cytogenetic location: 3q12.2.
Variant type: Deletion.
Coding change: c.2019-10del on transcript NM_001199198.3 (MANE Select); 10 bases into the intron before coding-DNA position 2019, one base deleted (T; older notation c.2019-10delT).
Molecular consequence: intron variant.
Genome position (GRCh38, 1-based): chr3:100,323,577, T deleted; the last of 8 consecutive T bases (chr3:100,323,570-100,323,577); deleting any one gives the same sequence. VCF-style (leftmost placement, unchanged base first): chr3-100323569-AT-A. GRCh37 (hg19) VCF-style: chr3-100042413-AT-A.
Other names: c.1974-10del (NM_018309.5).
Identifiers: ClinVar variation 3049975 (VCV003049975.2), dbSNP rs535337346, ClinGen allele CA2514915.